The following is an entry in ClinVar:

ClinVar aggregate classification (germline): Benign. Review status: criteria provided, multiple submitters, no conflicts (2 of 4 stars). 2 submissions from 2 submitters: Benign (2). Last evaluated 2018-01-13.

Conditions:
Autosomal recessive osteopetrosis 2. Also called: OSTEOPETROSIS, MILD AUTOSOMAL RECESSIVE FORM. Identifiers: Orphanet 667, MedGen C1850126, MONDO:0009816, OMIM 259710.

Allele frequency attached by ClinVar (database versions not stated): gnomAD exomes 0.00276 and 0.00708; ExAC 0.00862; gnomAD 0.02722 and 0.02917; 1000 Genomes Project 0.02855; ESP Exome Variant Server 0.02883; TOPMed 0.02947; 1000 Genomes Project 30x 0.03186.
gnomAD v4.1: 8,363 of 1,612,198 alleles (0.52%); highest among the groups gnomAD compares: African/African-American, 9.5%; 351 homozygotes.

Submissions (2):

Illumina Laboratory Services, Illumina
Classification: Benign for Autosomal recessive osteopetrosis 2. Last evaluated: 2018-01-13. Review status: criteria provided, single submitter. Criteria: ICSL Variant Classification Criteria 13 December 2019. Collection method: clinical testing. Allele origin: germline.
Comment: This variant was observed in the ICSL laboratory as part of a predisposition screen in an ostensibly healthy population. It had not been previously curated by ICSL or reported in the Human Gene Mutation Database (HGMD: prior to June 1st, 2018), and was therefore a candidate for classification through an automated scoring system. Utilizing variant allele frequency, disease prevalence and penetrance estimates, and inheritance mode, an automated score was calculated to assess if this variant is too frequent to cause the disease. Based on the score and internal cut-off values, a variant classified as benign is not then subjected to further curation. The score for this variant resulted in a classification of benign for this disease.

Breakthrough Genomics
Classification: Benign. Review status: criteria provided, single submitter. Criteria: ACMG Guidelines, 2015. Collection method: not provided. Allele origin: germline. Inheritance: Autosomal recessive inheritance. Affected: yes.

NM_003701.4(TNFSF11):c.*48T>C

Gene: TNFSF11 (TNF superfamily member 11; plus strand). Cytogenetic location: 13q14.11.
Variant type: single nucleotide variant.
Coding change: c.*48T>C on transcript NM_003701.4 (MANE Select); 48 bases downstream of the stop codon, T replaced by C.
Molecular consequence: 3 prime UTR variant.
Genome position (GRCh38, 1-based): chr13:42,606,966, T>C. VCF-style: chr13-42606966-T-C. GRCh37 (hg19) VCF-style: chr13-43181102-T-C.
Other names: c.*48T>C (NM_033012.4).
Identifiers: ClinVar variation 312238 (VCV000312238.6), dbSNP rs7994018, ClinGen allele CA6967337.